The following is an entry in ClinVar:

ClinVar aggregate classification (germline): Uncertain significance (1 of 4 stars; one submission).

Submission:

Labcorp Genetics (formerly Invitae), Labcorp
Classification: Uncertain significance. Last evaluated: 2025-03-18. Review status: criteria provided, single submitter. Criteria: Invitae Variant Classification Sherloc (09022015). Collection method: clinical testing. Allele origin: germline.
Comment: This sequence change replaces threonine, which is neutral and polar, with serine, which is neutral and polar, at codon 1175 of the MYH9 protein (p.Thr1175Ser). This variant is not present in population databases (gnomAD no frequency). This variant has not been reported in the literature in individuals affected with MYH9-related conditions. Invitae Evidence Modeling of protein sequence and biophysical properties (such as structural, functional, and spatial information, amino acid conservation, physicochemical variation, residue mobility, and thermodynamic stability) indicates that this missense variant is not expected to disrupt MYH9 protein function with a negative predictive value of 95%. In summary, the available evidence is currently insufficient to determine the role of this variant in disease. Therefore, it has been classified as a Variant of Uncertain Significance.

NM_002473.6(MYH9):c.3524C>G (p.Thr1175Ser)

Gene: MYH9 (myosin heavy chain 9; minus strand). Cytogenetic location: 22q12.3.
Variant type: single nucleotide variant.
Coding change: c.3524C>G on transcript NM_002473.6 (MANE Select); coding-DNA position 3524, C replaced by G.
Protein change: p.Thr1175Ser; replaces threonine 1175 with serine.
Molecular consequence: missense variant.
Genome position (GRCh38, 1-based): chr22:36,295,038, G>C on the plus strand (C>G on the coding strand, the complement: MYH9 is on the minus strand). VCF-style: chr22-36295038-G-C. GRCh37 (hg19) VCF-style: chr22-36691084-G-C.
Other names: short protein forms T1175S.
Identifiers: ClinVar variation 4746163 (VCV004746163.1).